The following is an entry in ClinVar:

NM_003924.4(PHOX2B):c.379A>T (p.Thr127Ser)

Gene: PHOX2B (paired like homeobox 2B; minus strand). Cytogenetic location: 4p13.
Variant type: single nucleotide variant.
Coding change: c.379A>T on transcript NM_003924.4 (MANE Select); coding-DNA position 379, A replaced by T.
Protein change: p.Thr127Ser; replaces threonine 127 with serine.
Molecular consequence: missense variant.
Genome position (GRCh38, 1-based): chr4:41,747,399, T>A on the plus strand (A>T on the coding strand, the complement: PHOX2B is on the minus strand). VCF-style: chr4-41747399-T-A. GRCh37 (hg19) VCF-style: chr4-41749416-T-A.
Other names: short protein forms T127S.
Identifiers: ClinVar variation 2198549 (VCV002198549.6), dbSNP rs2552097018, ClinGen allele CA356739960.
Genomic context (GRCh38, chr4:41,747,399, plus strand): 5'-GCGCGCGTACCTGGACTCGCGCCTCTGTGAGGTCGATCTTCAGGGCCAGCTCCTCCCGAG[T>A]GTAGATGTCGGGGTAGTGAGTCTCCGCGAAGACCCTTTCCAGCTCTTTGAGCTGGGCACT-3'
Protein context (NP_003915.2, residues 117-137): FAETHYPDIY[Thr127Ser]REELALKIDL

ClinVar aggregate classification (germline): Uncertain significance. Review status: criteria provided, multiple submitters, no conflicts (2 of 4 stars). 3 submissions from 3 submitters: Uncertain significance (3). Last evaluated 2025-03-22.

Conditions:
Haddad syndrome (OHD). Also called: Ondine-Hirschsprung disease. Identifiers: Orphanet 99803, MedGen C1859049, MONDO:0020493.
Hereditary cancer-predisposing syndrome. Also called: Tumor predisposition; Hereditary neoplastic syndrome; Neoplastic Syndromes, Hereditary; Hereditary Cancer Syndrome. Identifiers: Orphanet 140162, MedGen C0027672, MeSH D009386, MONDO:0015356.

Submissions (3):

Ambry Genetics
Classification: Uncertain significance for Hereditary cancer-predisposing syndrome. Last evaluated: 2025-03-22. Review status: criteria provided, single submitter. Criteria: Ambry Variant Classification Scheme 2023. Collection method: clinical testing. Allele origin: germline.
Comment: The p.T127S variant (also known as c.379A>T), located in coding exon 2 of the PHOX2B gene, results from an A to T substitution at nucleotide position 379. The threonine at codon 127 is replaced by serine, an amino acid with similar properties. This amino acid position is conserved. In addition, this alteration is predicted to be deleterious by in silico analysis. Based on the available evidence, the clinical significance of this variant remains unclear.

GeneDx
Classification: Uncertain significance. Last evaluated: 2023-04-07. Review status: criteria provided, single submitter. Criteria: GeneDx Variant Classification Process June 2021. Collection method: clinical testing. Allele origin: germline. Affected: yes.
Comment: Not observed at significant frequency in large population cohorts (gnomAD); In silico analysis supports that this missense variant has a deleterious effect on protein structure/function; Has not been previously published as pathogenic or benign to our knowledge

Labcorp Genetics (formerly Invitae), Labcorp
Classification: Uncertain significance for Haddad syndrome. Last evaluated: 2022-01-23. Review status: criteria provided, single submitter. Criteria: Invitae Variant Classification Sherloc (09022015). Collection method: clinical testing. Allele origin: germline.
Comment: This sequence change replaces threonine, which is neutral and polar, with serine, which is neutral and polar, at codon 127 of the PHOX2B protein (p.Thr127Ser). This variant is not present in population databases (gnomAD no frequency). This variant has not been reported in the literature in individuals affected with PHOX2B-related conditions. Algorithms developed to predict the effect of missense changes on protein structure and function (SIFT, PolyPhen-2, Align-GVGD) all suggest that this variant is likely to be disruptive. In summary, the available evidence is currently insufficient to determine the role of this variant in disease. Therefore, it has been classified as a Variant of Uncertain Significance.